The following is an entry in ClinVar:

ClinVar aggregate classification (germline): Uncertain significance (1 of 4 stars; one submission).

Conditions:
Townes syndrome (TBS). Also called: Townes-Brocks syndrome. Identifiers: Orphanet 857, MedGen C0265246, MeSH C536974, MONDO:0007142.

Submission:

Labcorp Genetics (formerly Invitae), Labcorp
Classification: Uncertain significance for Townes syndrome. Last evaluated: 2025-06-12. Review status: criteria provided, single submitter. Criteria: Invitae Variant Classification Sherloc (09022015). Collection method: clinical testing. Allele origin: germline.
Comment: This sequence change replaces phenylalanine, which is neutral and non-polar, with valine, which is neutral and non-polar, at codon 436 of the SALL1 protein (p.Phe436Val). This variant is not present in population databases (gnomAD no frequency). This variant has not been reported in the literature in individuals affected with SALL1-related conditions. ClinVar contains an entry for this variant (Variation ID: 2918539). Invitae Evidence Modeling of protein sequence and biophysical properties (such as structural, functional, and spatial information, amino acid conservation, physicochemical variation, residue mobility, and thermodynamic stability) indicates that this missense variant is expected to disrupt SALL1 protein function with a positive predictive value of 80%. In summary, the available evidence is currently insufficient to determine the role of this variant in disease. Therefore, it has been classified as a Variant of Uncertain Significance.

NM_002968.3(SALL1):c.1306T>G (p.Phe436Val)

Gene: SALL1 (spalt like transcription factor 1; minus strand). Cytogenetic location: 16q12.1.
Variant type: single nucleotide variant.
Coding change: c.1306T>G on transcript NM_002968.3 (MANE Select); coding-DNA position 1306, T replaced by G.
Protein change: p.Phe436Val; replaces phenylalanine 436 with valine.
Molecular consequence: missense variant.
Genome position (GRCh38, 1-based): chr16:51,140,916, A>C on the plus strand (T>G on the coding strand, the complement: SALL1 is on the minus strand). VCF-style: chr16-51140916-A-C. GRCh37 (hg19) VCF-style: chr16-51174827-A-C.
Other names: c.1015T>G, p.Phe339Val (NM_001127892.2); short protein forms F339V, F436V.
Identifiers: ClinVar variation 2918539 (VCV002918539.3), dbSNP rs1418619556, ClinGen allele CA395888962.
Genomic context (GRCh38, chr16:51,140,916, plus strand): 5'-TCGCGCAGAACCTGCACTTGTGTTTGAAGAATGCCTCATCGGAAGTACTTTTCGCTTCAA[A>C]GGCAGTGACATTTGGTGGCTTGCTTTTTCTTTGCTGGGCCAAGGCAGACAAGGAGTTTAA-3'
Protein context (NP_002959.2, residues 426-446): RKSKPPNVTA[Phe436Val]EAKSTSDEAF